The following is an entry in ClinVar:

NM_006073.4(TRDN):c.1661A>G (p.His554Arg)

Gene: TRDN (triadin; minus strand). Cytogenetic location: 6q22.31.
Variant type: single nucleotide variant.
Coding change: c.1661A>G on transcript NM_006073.4 (MANE Select); coding-DNA position 1661, A replaced by G.
Protein change: p.His554Arg; replaces histidine 554 with arginine.
Molecular consequence: missense variant.
Genome position (GRCh38, 1-based): chr6:123,272,975, T>C on the plus strand (A>G on the coding strand, the complement: TRDN is on the minus strand). VCF-style: chr6-123272975-T-C. GRCh37 (hg19) VCF-style: chr6-123594120-T-C.
Other names: short protein forms H554R.
Identifiers: ClinVar variation 1975127 (VCV001975127.5), dbSNP rs1777253805, ClinGen allele CA365564795.
Genomic context (GRCh38, chr6:123,272,975, plus strand): 5'-TAGAACATTGAGAGGTTATTTGAGACTACAAATACCACCTGCAAAATACCTGGTTTACCA[T>C]GAGAAACAGTCTTTTCTGGTTTCACTATGTCTTGTTCTGAAAATAATAAAAAGAAAATCT-3'
Protein context (NP_006064.2, residues 544-564): DIVKPEKTVS[His554Arg]GKPEEKVLKQ

ClinVar aggregate classification (germline): Uncertain significance (1 of 4 stars; one submission).

Conditions:
Catecholaminergic polymorphic ventricular tachycardia 1. Also called: RYR2-Related Catecholaminergic Polymorphic Ventricular Tachycardia; VENTRICULAR TACHYCARDIA, CATECHOLAMINERGIC POLYMORPHIC, 1, WITH OR WITHOUT ATRIAL DYSFUNCTION AND/OR DILATED CARDIOMYOPATHY; VENTRICULAR TACHYCARDIA, STRESS-INDUCED POLYMORPHIC 1. Identifiers: Orphanet 3286, MedGen C1631597, MONDO:0011484, OMIM 604772.

Allele frequency attached by ClinVar (database versions not stated): gnomAD exomes below 0.00001.
gnomAD v4.1: 4 of 1,529,952 alleles (0.00026%); highest among the groups gnomAD compares: Non-Finnish European, 0.00035%; no homozygotes.

Submission:

Labcorp Genetics (formerly Invitae), Labcorp
Classification: Uncertain significance for Catecholaminergic polymorphic ventricular tachycardia 1. Last evaluated: 2022-06-01. Review status: criteria provided, single submitter. Criteria: Invitae Variant Classification Sherloc (09022015). Collection method: clinical testing. Allele origin: germline.
Comment: This sequence change replaces histidine, which is basic and polar, with arginine, which is basic and polar, at codon 554 of the TRDN protein (p.His554Arg). This variant is not present in population databases (gnomAD no frequency). This variant has not been reported in the literature in individuals affected with TRDN-related conditions. Algorithms developed to predict the effect of missense changes on protein structure and function output the following: SIFT: "Deleterious"; PolyPhen-2: "Benign"; Align-GVGD: "Class C0". The arginine amino acid residue is found in multiple mammalian species, which suggests that this missense change does not adversely affect protein function. In summary, the available evidence is currently insufficient to determine the role of this variant in disease. Therefore, it has been classified as a Variant of Uncertain Significance.